The following is an entry in ClinVar:

NM_024570.4(RNASEH2B):c.169C>A (p.Leu57Ile)

Gene: RNASEH2B (ribonuclease H2 subunit B; plus strand). Cytogenetic location: 13q14.3.
Variant type: single nucleotide variant.
Coding change: c.169C>A on transcript NM_024570.4 (MANE Select); coding-DNA position 169, C replaced by A.
Protein change: p.Leu57Ile; replaces leucine 57 with isoleucine.
Molecular consequence: missense variant.
Genome position (GRCh38, 1-based): chr13:50,929,507, C>A. VCF-style: chr13-50929507-C-A. GRCh37 (hg19) VCF-style: chr13-51503643-C-A.
Other names: c.169C>A, p.Leu57Ile (NM_001142279.2); short protein forms L57I.
Identifiers: ClinVar variation 1039466 (VCV001039466.8), dbSNP rs1458407476, ClinGen allele CA388258734.

ClinVar aggregate classification (germline): Uncertain significance (1 of 4 stars; one submission).

Conditions:
Aicardi-Goutieres syndrome 2. Identifiers: Orphanet 51, MedGen C3489724, MONDO:0012429, OMIM 610181.

Allele frequency attached by ClinVar (database versions not stated): TOPMed below 0.00001.

Submission:

Labcorp Genetics (formerly Invitae), Labcorp
Classification: Uncertain significance for Aicardi-Goutieres syndrome 2. Last evaluated: 2020-03-10. Review status: criteria provided, single submitter. Criteria: Invitae Variant Classification Sherloc (09022015). Collection method: clinical testing. Allele origin: germline.
Comment: In summary, the available evidence is currently insufficient to determine the role of this variant in disease. Therefore, it has been classified as a Variant of Uncertain Significance. Algorithms developed to predict the effect of missense changes on protein structure and function (SIFT, PolyPhen-2, Align-GVGD) all suggest that this variant is likely to be tolerated, but these predictions have not been confirmed by published functional studies and their clinical significance is uncertain. This variant has not been reported in the literature in individuals with RNASEH2B-related conditions. This variant is not present in population databases (ExAC no frequency). This sequence change replaces leucine with isoleucine at codon 57 of the RNASEH2B protein (p.Leu57Ile). The leucine residue is weakly conserved and there is a small physicochemical difference between leucine and isoleucine.